The following is an entry in ClinVar:

NM_006767.4(LZTR1):c.373G>C (p.Val125Leu)

Gene: LZTR1 (leucine zipper like post translational regulator 1; plus strand). Cytogenetic location: 22q11.21.
Variant type: single nucleotide variant.
Coding change: c.373G>C on transcript NM_006767.4 (MANE Select); coding-DNA position 373, G replaced by C.
Protein change: p.Val125Leu; replaces valine 125 with leucine.
Molecular consequence: missense variant.
Genome position (GRCh38, 1-based): chr22:20,987,556, G>C. VCF-style: chr22-20987556-G-C. GRCh37 (hg19) VCF-style: chr22-21341845-G-C.
Other names: short protein forms V125L.
Identifiers: ClinVar variation 1734466 (VCV001734466.12), dbSNP rs775434314, ClinGen allele CA10118396.

ClinVar aggregate classification (germline): Uncertain significance. Review status: criteria provided, multiple submitters, no conflicts (2 of 4 stars). 5 submissions from 5 submitters: Uncertain significance (5). Last evaluated 2024-12-10.

Conditions:
LZTR1-related schwannomatosis. Also called: Schwannomatosis-2, susceptibility to; Schwannomatosis 2. Identifiers: Orphanet 93921, MedGen C3810283, MONDO:0014299, OMIM 615670.
Hereditary cancer-predisposing syndrome. Also called: Neoplastic Syndromes, Hereditary; Tumor predisposition; Hereditary Cancer Syndrome; Hereditary neoplastic syndrome. Identifiers: Orphanet 140162, MedGen C0027672, MeSH D009386, MONDO:0015356.
Cardiovascular phenotype. Identifiers: MedGen CN230736.

gnomAD v4.1: 11 of 1,614,098 alleles (0.00068%); highest among the groups gnomAD compares: Non-Finnish European, 0.00093%; no homozygotes.

Submissions (5):

Labcorp Genetics (formerly Invitae), Labcorp
Classification: Uncertain significance. Last evaluated: 2024-12-10. Review status: criteria provided, single submitter. Criteria: Invitae Variant Classification Sherloc (09022015). Collection method: clinical testing. Allele origin: germline.
Comment: This sequence change replaces valine, which is neutral and non-polar, with leucine, which is neutral and non-polar, at codon 125 of the LZTR1 protein (p.Val125Leu). This variant is present in population databases (rs775434314, gnomAD 0.003%). This variant has not been reported in the literature in individuals affected with LZTR1-related conditions. ClinVar contains an entry for this variant (Variation ID: 1734466). Invitae Evidence Modeling of protein sequence and biophysical properties (such as structural, functional, and spatial information, amino acid conservation, physicochemical variation, residue mobility, and thermodynamic stability) indicates that this missense variant is not expected to disrupt LZTR1 protein function with a negative predictive value of 80%. In summary, the available evidence is currently insufficient to determine the role of this variant in disease. Therefore, it has been classified as a Variant of Uncertain Significance.

Ambry Genetics
Classification: Uncertain significance for Cardiovascular phenotype; Hereditary cancer-predisposing syndrome. Last evaluated: 2024-11-07. Review status: criteria provided, single submitter. Criteria: Ambry Variant Classification Scheme 2023. Collection method: clinical testing. Allele origin: germline.
Comment: The c.373G>C variant (also known as p.V125L), located in coding exon 4 of the LZTR1 gene, results from a G to C substitution at nucleotide position 373. The valine at codon 125 is replaced by leucine, an amino acid with highly similar properties. This nucleotide position is highly conserved in available vertebrate species. In silico splice site analysis predicts that this alteration will not have any significant effect on splicing. However, RNA studies have demonstrated that this alteration results in an incomplete splice defect; the clinical impact of this abnormal splicing is unknown at this time (Ambry internal data). Based on the available evidence, the clinical significance of this variant remains unclear.

Baylor Genetics
Classification: Uncertain significance for LZTR1-related schwannomatosis. Last evaluated: 2024-02-16. Review status: criteria provided, single submitter. Criteria: ACMG Guidelines, 2015. Collection method: clinical testing. Allele origin: unknown.

GeneDx
Classification: Uncertain significance. Last evaluated: 2024-02-11. Review status: criteria provided, single submitter. Criteria: GeneDx Variant Classification Process June 2021. Collection method: clinical testing. Allele origin: germline. Affected: yes.
Comment: Not observed at significant frequency in large population cohorts (gnomAD); In silico analysis supports that this missense variant has a deleterious effect on protein structure/function; Has not been previously published as pathogenic or benign to our knowledge

Women's Health and Genetics/Laboratory Corporation of America, LabCorp
Classification: Uncertain significance. Last evaluated: 2023-01-09. Review status: criteria provided, single submitter. Criteria: LabCorp Variant Classification Summary - May 2015. Collection method: clinical testing. Allele origin: germline.
Comment: Variant summary: LZTR1 c.373G>C (p.Val125Leu) results in a conservative amino acid change in the encoded protein sequence. Three of five in-silico tools predict a damaging effect of the variant on protein function. The variant allele was found at a frequency of 8e-06 in 251244 control chromosomes (gnomAD). The available data on variant occurrences in the general population are insufficient to allow any conclusion about variant significance. To our knowledge, no occurrence of c.373G>C in individuals affected with Noonan Syndrome and no experimental evidence demonstrating its impact on protein function have been reported. One clinical diagnostic laboratory has submitted clinical-significance assessments for this variant to ClinVar after 2014 and classified the variant as uncertain significance. Based on the evidence outlined above, the variant was classified as uncertain significance.